The following is an entry in ClinVar:

ClinVar aggregate classification (germline): Uncertain significance (1 of 4 stars; one submission).

Submission:

Women's Health and Genetics/Laboratory Corporation of America, LabCorp
Classification: Uncertain significance. Last evaluated: 2021-01-21. Review status: criteria provided, single submitter. Criteria: LabCorp Variant Classification Summary - May 2015. Collection method: clinical testing. Allele origin: germline.
Comment: Variant summary: TTN c.20783C>T (p.Thr6928Ile) results in a non-conservative amino acid change located in the I-band region of the encoded protein sequence. Four of five in-silico tools predict a benign effect of the variant on protein function. The variant was absent in 247616 control chromosomes. The available data on variant occurrences in the general population are insufficient to allow any conclusion about variant significance. To our knowledge, no occurrence of c.20783C>T in individuals affected with Dilated Cardiomyopathy and no experimental evidence demonstrating its impact on protein function have been reported. No clinical diagnostic laboratories have submitted clinical-significance assessments for this variant to ClinVar after 2014. Based on the evidence outlined above, the variant was classified as uncertain significance.

NM_001267550.2(TTN):c.24515C>T (p.Thr8172Ile)

Gene: TTN (titin; minus strand). Cytogenetic location: 2q31.2.
Variant type: single nucleotide variant.
Coding change: c.24515C>T on transcript NM_001267550.2 (MANE Select); coding-DNA position 24515, C replaced by T.
Protein change: p.Thr8172Ile; replaces threonine 8172 with isoleucine.
Molecular consequence: missense variant. On other transcripts: intron variant (3).
Genome position (GRCh38, 1-based): chr2:178,718,591, G>A on the plus strand (C>T on the coding strand, the complement: TTN is on the minus strand). VCF-style: chr2-178718591-G-A. GRCh37 (hg19) VCF-style: chr2-179583318-G-A.
Other names: c.23564C>T, p.Thr7855Ile (NM_001256850.1); c.20783C>T, p.Thr6928Ile (NM_133378.4); c.13282+19491C>T (NM_003319.4); c.13858+19491C>T (NM_133437.4); c.13657+19491C>T (NM_133432.3); short protein forms T6928I, T7855I, T8172I.
Identifiers: ClinVar variation 996280 (VCV000996280.1), dbSNP rs2077852623, ClinGen allele CA349498417.
Genomic context (GRCh38, chr2:178,718,591, plus strand): 5'-GCCTCGAGAACTATGGGGCTTCCTGTCTCAACACTGAAATCAGCCAATCTTTTCACAAAG[G>A]TGGCTGGTTCTATAAGGAGAAAACATGTGGGTAAAATTCTTGCCTTCTAATGAAGACTTA-3'
Protein context (NP_001254479.2, residues 8162-8182): TTHLFVKEPA[Thr8172Ile]FVKRLADFSV